The following is an entry in ClinVar:

NM_001323289.2(CDKL5):c.64+2del

Gene: CDKL5 (cyclin dependent kinase like 5; plus strand). Cytogenetic location: Xp22.13.
Variant type: Deletion.
Coding change: c.64+2del on transcript NM_001323289.2 (MANE Select); the canonical splice donor site of the intron after coding-DNA position 64, one base deleted (T; older notation c.64+2delT).
Molecular consequence: splice donor variant.
Genome position (GRCh38, 1-based): chrX:18,507,162, T deleted. VCF-style (leftmost placement, unchanged base first): chrX-18507161-GT-G. GRCh37 (hg19) VCF-style: chrX-18525281-GT-G.
Other names: c.64+2del (NM_003159.3, NM_001037343.2); c.64+2delT (NM_003159.2).
Identifiers: ClinVar variation 156093 (VCV000156093.4), dbSNP rs267608419, ClinGen allele CA199413.

ClinVar aggregate classification (germline): Pathogenic. Review status: criteria provided, single submitter (1 of 4 stars). 3 submissions from 2 submitters: Pathogenic (1). 2 of the submissions do not count toward it. Last evaluated 2024-09-24.

Conditions:
CDKL5 disorder. Identifiers: MedGen CN296942, MONDO:0100039.
Developmental and epileptic encephalopathy, 2 (DEE2). Also called: INFANTILE SPASM SYNDROME, X-LINKED 2; CDKL5 deficiency disorder. Identifiers: Orphanet 1934, Orphanet 3451, Orphanet 505652, MedGen C4750718, MONDO:0010396, OMIM 300672.

Submissions (3):

Centre for Population Genomics, CPG
Classification: Pathogenic for CDKL5 disorder. Last evaluated: 2024-09-24. Review status: criteria provided, single submitter. Criteria: McKnight et al. (Hum Mutat. 2022). Collection method: curation. Allele origin: germline. Inheritance: X-linked inheritance.
Comment: This variant has been collected from RettBASE and curated to current modified ACMG/AMP criteria. Based on the classification scheme defined by the ClinGen Rett/Angelman-like Expert Panel for Rett/AS-like Disorders Specifications to the ACMG/AMP Variant Interpretation Guidelines VCEP 3.0, this variant is classified as pathogenic. At least the following criteria are met: Predicted to result in loss of function, and LOF is a known mechanism of disease (PVS1). At least one individual with this variant has been reported with a clinical phenotype consistent with CDKL5- related condition (PP4). PMID: 18790821 This variant is absent from gnomAD v4 (PM2_Supporting).

RettBASE
Classification: Pathogenic for Epileptic encephalopathy, early infantile, 2. Last evaluated: 2014-03-13. Review status: no assertion criteria provided. Collection method: curation. Allele origin: de novo. Affected: yes. Observed: 1 variant allele. Not counted in ClinVar's aggregate classification.
Comment: Bahi-Buisson et al 2008 suggested transcript unstable

RettBASE
No classification provided. Review status: flagged submission. Collection method: not provided. Allele origin: not provided. Not counted in ClinVar's aggregate classification.
ClinVar note: Reason: This record appears to be redundant with a more recent record from the same submitter.
ClinVar note: Notes: SCV000189218 appears to be redundant with SCV000222360.

Literature cited by the submitters: PubMed 18790821 (cited by RettBASE).